The following is an entry in ClinVar:

ClinVar aggregate classification (germline): Pathogenic (1 of 4 stars; one submission).

Conditions:
Hereditary cancer-predisposing syndrome. Also called: Hereditary Cancer Syndrome; Neoplastic Syndromes, Hereditary; Hereditary neoplastic syndrome; Tumor predisposition. Identifiers: Orphanet 140162, MedGen C0027672, MeSH D009386, MONDO:0015356.

Submission:

Ambry Genetics
Classification: Pathogenic for Hereditary cancer-predisposing syndrome. Last evaluated: 2016-03-18. Review status: criteria provided, single submitter. Criteria: Ambry Variant Classification Scheme 2023. Collection method: clinical testing. Allele origin: germline.
Comment: The c.3989_3990delAT pathogenic mutation, located in coding exon 20 of the DICER1 gene, results from a deletion of two nucleotides between nucleotide positions 3989 and 3990, causing a translational frameshift with a predicted alternate stop codon. Since frameshifts are typically deleterious in nature, this alteration is interpreted as a disease-causing mutation (ACMG Recommendations for Standards for Interpretation and Reporting of Sequence Variations. Revision 2007. Genet Med. 2008;10:294).

NM_177438.3(DICER1):c.3989_3990del (p.Tyr1330fs)

Gene: DICER1 (dicer 1, ribonuclease III; minus strand). Cytogenetic location: 14q32.13.
Variant type: Microsatellite.
Coding change: c.3989_3990del on transcript NM_177438.3 (MANE Select); coding-DNA positions 3989 to 3990, 2 bases deleted (AT; older notation c.3989_3990delAT).
Protein change: p.Tyr1330fs; shifts the reading frame from tyrosine 1330.
Molecular consequence: frameshift variant.
Genome position (GRCh38, 1-based): chr14:95,103,406-95,103,407, AT deleted on the plus strand (AT on the coding strand, the reverse complement: DICER1 is on the minus strand); deleting any 2 consecutive bases within chr14:95,103,406-95,103,409 gives the same sequence; the c. name uses the placement nearest the transcript's 3' end. VCF-style (leftmost placement, unchanged base first): chr14-95103405-GAT-G. GRCh37 (hg19) VCF-style: chr14-95569742-GAT-G.
Other names: c.3989_3990del, p.Tyr1330fs (NM_001195573.1, NM_001271282.3, NM_001291628.2 and 1 more transcripts); c.3989_3990delAT (NM_177438.2); short protein forms Y1330fs.
Identifiers: ClinVar variation 429144 (VCV000429144.5), dbSNP rs1131691214, ClinGen allele CA645369612.